The following is an entry in ClinVar:

NM_000094.4(COL7A1):c.806T>C (p.Leu269Pro)

Gene: COL7A1 (collagen type VII alpha 1 chain; minus strand). Cytogenetic location: 3p21.31.
Variant type: single nucleotide variant.
Coding change: c.806T>C on transcript NM_000094.4 (MANE Select); coding-DNA position 806, T replaced by C.
Protein change: p.Leu269Pro; replaces leucine 269 with proline.
Molecular consequence: missense variant.
Genome position (GRCh38, 1-based): chr3:48,592,815, A>G on the plus strand (T>C on the coding strand, the complement: COL7A1 is on the minus strand). VCF-style: chr3-48592815-A-G. GRCh37 (hg19) VCF-style: chr3-48630248-A-G.
Other names: short protein forms L269P.
Identifiers: ClinVar variation 1969656 (VCV001969656.3), dbSNP rs2531335664, ClinGen allele CA352741416.

ClinVar aggregate classification (germline): Uncertain significance. Review status: criteria provided, multiple submitters, no conflicts (2 of 4 stars). 2 submissions from 2 submitters: Uncertain significance (2). Last evaluated 2025-11-27.

Submissions (2):

Women's Health and Genetics/Laboratory Corporation of America, LabCorp
Classification: Uncertain significance. Last evaluated: 2025-11-27. Review status: criteria provided, single submitter. Criteria: LabCorp Variant Classification Summary - May 2015. Collection method: clinical testing. Allele origin: germline.

Labcorp Genetics (formerly Invitae), Labcorp
Classification: Uncertain significance. Last evaluated: 2021-09-15. Review status: criteria provided, single submitter. Criteria: Invitae Variant Classification Sherloc (09022015). Collection method: clinical testing. Allele origin: germline.
Comment: This sequence change replaces leucine with proline at codon 269 of the COL7A1 protein (p.Leu269Pro). The leucine residue is moderately conserved and there is a moderate physicochemical difference between leucine and proline. This variant is not present in population databases (ExAC no frequency). This variant has not been reported in the literature in individuals affected with COL7A1-related conditions. Algorithms developed to predict the effect of missense changes on protein structure and function are either unavailable or do not agree on the potential impact of this missense change (SIFT: "Deleterious"; PolyPhen-2: "Not Available"; Align-GVGD: "Class C0"). In summary, the available evidence is currently insufficient to determine the role of this variant in disease. Therefore, it has been classified as a Variant of Uncertain Significance.